The following is an entry in ClinVar:

ClinVar aggregate classification (germline): Likely pathogenic. Review status: criteria provided, single submitter (1 of 4 stars). 3 submissions from 1 submitter: Likely pathogenic (3). Last evaluated 2022-10-31.

Conditions:
Leigh syndrome (NULS). Also called: Leigh's necrotizing encephalopathy; Leigh's disease; Leigh Syndrome (mtDNA deletion); Leigh's syndrome; Leigh Disease; Subacute necrotizing encephalopathy. Identifiers: Orphanet 506, MedGen C2931891, MONDO:0009723, OMIM 256000.
MELAS syndrome (MELAS). Also called: Juvenile myopathy, encephalopathy, lactic acidosis, stroke. Identifiers: Orphanet 550, MedGen C0162671, MONDO:0010789, OMIM 540000.
Leber optic atrophy (LHON). Also called: Leber's optic atrophy; Optic Atrophy, Hereditary, Leber; Leber hereditary optic neuropathy; Leber's disease. Identifiers: Orphanet 104, MedGen C0917796, MONDO:0010788, OMIM 535000, HP:0001112.

Submissions (3):

Johns Hopkins Genomics, Johns Hopkins University
Classification: Likely pathogenic for Leber optic atrophy. Last evaluated: 2022-10-31. Review status: criteria provided, single submitter. Criteria: ACMG Guidelines, 2015. Collection method: clinical testing. Allele origin: germline.
Comment: This MT-ND5 variant is absent in a large population dataset and has not been reported in ClinVar or the literature to our knowledge. As single exon genes appear insensitive to nonsense-mediated mRNA decay (NMD), this nonsense variant (p.Trp196Ter) is predicted to result in a truncated protein after the fifth transmembrane domain of MTND5. Factors including random mitochondrial segregation and consequent variable tissue heteroplasmy may contribute to the much broader phenotypic spectrum associated with variants in this gene. . We consider this variant to be likely pathogenic.

Johns Hopkins Genomics, Johns Hopkins University
Classification: Likely pathogenic for MELAS syndrome. Last evaluated: 2022-10-31. Review status: criteria provided, single submitter. Criteria: ACMG Guidelines, 2015. Collection method: clinical testing. Allele origin: germline.
Comment: the same text as in the submission from Johns Hopkins Genomics, Johns Hopkins University above.

Johns Hopkins Genomics, Johns Hopkins University
Classification: Likely pathogenic for Leigh syndrome. Last evaluated: 2022-10-31. Review status: criteria provided, single submitter. Criteria: ACMG Guidelines, 2015. Collection method: clinical testing. Allele origin: germline.
Comment: the same text as in the submission from Johns Hopkins Genomics, Johns Hopkins University above.

Literature cited by the submitters: PubMed 17400793; PubMed 22022272.

NC_012920.1(MT-ND5):m.12923G>A

Gene: MT-ND5 (mitochondrially encoded NADH dehydrogenase 5; plus strand).
Variant type: single nucleotide variant.
Genome position: chrM-12923-G-A.
Identifiers: ClinVar variation 2443068 (VCV002443068.1), dbSNP rs1603223971, ClinGen allele CA414815506.
Genomic context (GRCh38, chrMT:12,923, plus strand): 5'-GTATCGGCGATATCGGTTTCATCCTCGCCTTAGCATGATTTATCCTACACTCCAACTCAT[G>A]AGACCCACAACAAATAGCCCTTCTAAACGCTAATCCAAGCCTCACCCCACTACTAGGCCT-3'